The following is an entry in ClinVar:

NM_015450.3(POT1):c.1613T>G (p.Leu538Arg)

Gene: POT1 (protection of telomeres 1; minus strand). Cytogenetic location: 7q31.33.
Variant type: single nucleotide variant.
Coding change: c.1613T>G on transcript NM_015450.3 (MANE Select); coding-DNA position 1613, T replaced by G.
Protein change: p.Leu538Arg; replaces leucine 538 with arginine.
Molecular consequence: missense variant. On other transcripts: non-coding transcript variant (3).
Genome position (GRCh38, 1-based): chr7:124,827,287, A>C on the plus strand (T>G on the coding strand, the complement: POT1 is on the minus strand). VCF-style: chr7-124827287-A-C. GRCh37 (hg19) VCF-style: chr7-124467341-A-C.
Other names: c.1220T>G, p.Leu407Arg (NM_001042594.2); short protein forms L407R, L538R.
Identifiers: ClinVar variation 2743574 (VCV002743574.3), dbSNP rs2485345425, ClinGen allele CA369063206.
Genomic context (GRCh38, chr7:124,827,287, plus strand): 5'-TAGGCTTCTAGTACTCCTGTTCCATCATCAAGTGTAAAGGTCATAACAAACACATATTGG[A>C]GGGGTACAATACCCAGTGCTAGTGAAGGAAAAAAAGATCAAACCATATGAGTCTGCTATT-3'
Protein context (NP_056265.2, residues 528-548): SVAEALGIVP[Leu538Arg]QYVFVMTFTL

ClinVar aggregate classification (germline): Uncertain significance (1 of 4 stars; one submission).

Conditions:
Tumor predisposition syndrome 3 (TPDS3). Also called: Glioma susceptibility 9; Melanoma, cutaneous malignant, susceptibility to, 10; LONG TELOMERE SYNDROME, POT1-RELATED; POT1 Tumor Predisposition. Identifiers: Orphanet 618, MedGen C4014476, MONDO:0014368, OMIM 615848.

Submission:

Labcorp Genetics (formerly Invitae), Labcorp
Classification: Uncertain significance for Tumor predisposition syndrome 3. Last evaluated: 2023-07-16. Review status: criteria provided, single submitter. Criteria: Invitae Variant Classification Sherloc (09022015). Collection method: clinical testing. Allele origin: germline.
Comment: This sequence change replaces leucine, which is neutral and non-polar, with arginine, which is basic and polar, at codon 538 of the POT1 protein (p.Leu538Arg). This variant is not present in population databases (gnomAD no frequency). This variant has not been reported in the literature in individuals affected with POT1-related conditions. Advanced modeling of protein sequence and biophysical properties (such as structural, functional, and spatial information, amino acid conservation, physicochemical variation, residue mobility, and thermodynamic stability) performed at Invitae indicates that this missense variant is not expected to disrupt POT1 protein function. Experimental studies have shown that this missense change affects POT1 function (PMID: 26365187). In summary, the available evidence is currently insufficient to determine the role of this variant in disease. Therefore, it has been classified as a Variant of Uncertain Significance.

Literature cited by the submitters: PubMed 26365187.